The following is an entry in ClinVar:

NM_001128840.3(CACNA1D):c.2354A>G (p.Asn785Ser)

Gene: CACNA1D (calcium voltage-gated channel subunit alpha1 D; plus strand). Cytogenetic location: 3p21.1.
Variant type: single nucleotide variant.
Coding change: c.2354A>G on transcript NM_001128840.3 (MANE Select); coding-DNA position 2354, A replaced by G.
Protein change: p.Asn785Ser; replaces asparagine 785 with serine.
Molecular consequence: missense variant.
Genome position (GRCh38, 1-based): chr3:53,731,094, A>G. VCF-style: chr3-53731094-A-G. GRCh37 (hg19) VCF-style: chr3-53765121-A-G.
Other names: c.2414A>G, p.Asn805Ser (NM_000720.4); c.2354A>G, p.Asn785Ser (NM_001128839.3); short protein forms N785S, N805S.
Identifiers: ClinVar variation 2637142 (VCV002637142.5), dbSNP rs1175460516, ClinGen allele CA353240694.
Genomic context (GRCh38, chr3:53,731,094, plus strand): 5'-ACATGGTTATTTGGTTTCTTGTGCTCTTTTCTCTTCTCTTTAGAAAAGAGAGCCTAGAAA[A>G]TAAAAAGAACAACAAACCAGAAGTCAACCAGATAGCCAACAGTGACAACAAGGTATGTAT-3'
Protein context (NP_001122312.1, residues 775-795): KKIARKESLE[Asn785Ser]KKNNKPEVNQ

ClinVar aggregate classification (germline): Uncertain significance. Review status: criteria provided, multiple submitters, no conflicts (2 of 4 stars). 3 submissions from 3 submitters: Uncertain significance (3). Last evaluated 2026-02-09.

Conditions:
CACNA1D-related disorder.

Allele frequency attached by ClinVar (database versions not stated): gnomAD exomes below 0.00001; TOPMed 0.00003; gnomAD 0.00005.
gnomAD v4.1: 14 of 1,608,842 alleles (0.00087%); highest among the groups gnomAD compares: African/African-American, 0.016%; no homozygotes.

Submissions (3):

Women's Health and Genetics/Laboratory Corporation of America, LabCorp
Classification: Uncertain significance. Last evaluated: 2026-02-09. Review status: criteria provided, single submitter. Criteria: LabCorp Variant Classification Summary - May 2015. Collection method: clinical testing. Allele origin: germline.
Comment: Variant summary: CACNA1D c.2414A>G (p.Asn805Ser) results in a conservative amino acid change in the encoded protein sequence. Algorithms developed to predict the effect of missense changes on protein structure and function are either unavailable or do not agree on the potential impact of this missense change. The variant was absent in 251194 control chromosomes. The available data on variant occurrences in the general population are insufficient to allow any conclusion about variant significance. To our knowledge, no occurrence of c.2414A>G in individuals affected with CACNA1D-related conditions and no experimental evidence demonstrating its impact on protein function have been reported. ClinVar contains an entry for this variant (Variation ID: 2637142). Based on the evidence outlined above, the variant was classified as uncertain significance.

Labcorp Genetics (formerly Invitae), Labcorp
Classification: Uncertain significance. Last evaluated: 2025-10-10. Review status: criteria provided, single submitter. Criteria: Invitae Variant Classification Sherloc (09022015). Collection method: clinical testing. Allele origin: germline.
Comment: This sequence change replaces asparagine, which is neutral and polar, with serine, which is neutral and polar, at codon 805 of the CACNA1D protein (p.Asn805Ser). This variant is present in population databases (no rsID available, gnomAD 0.03%). This variant has not been reported in the literature in individuals affected with CACNA1D-related conditions. ClinVar contains an entry for this variant (Variation ID: 2637142). An algorithm developed to predict the effect of missense changes on protein structure and function (PolyPhen-2) suggests that this variant is likely to be tolerated. In summary, the available evidence is currently insufficient to determine the role of this variant in disease. Therefore, it has been classified as a Variant of Uncertain Significance.

PreventionGenetics, part of Exact Sciences
Classification: Uncertain significance for CACNA1D-related condition. Last evaluated: 2022-09-18. Review status: criteria provided, single submitter. Criteria: ACMG Guidelines, 2015. Collection method: clinical testing. Allele origin: germline.
Comment: The CACNA1D c.2414A>G variant is predicted to result in the amino acid substitution p.Asn805Ser. To our knowledge, this variant has not been reported in the literature. This variant is reported in 0.034% of alleles in individuals of African descent in gnomAD. At this time, the clinical significance of this variant is uncertain due to the absence of conclusive functional and genetic evidence.